The following is an entry in ClinVar:

ClinVar aggregate classification (germline): Benign (1 of 4 stars; one submission).

Conditions:
Gastrointestinal stromal tumor. Also called: Gastrointestinal stromal tumor, somatic; Gastrointestinal stroma tumor. Identifiers: Orphanet 44890, MedGen C0238198, MeSH D046152, MONDO:0011719, OMIM 606764, HP:0100723.

Submission:

Myriad Genetics, Inc.
Classification: Benign for Gastrointestinal stromal tumor. Last evaluated: 2026-06-04. Review status: criteria provided, single submitter. Criteria: Myriad Autosomal Dominant, Autosomal Recessive and X-Linked Classification Criteria (2023). Collection method: clinical testing. Allele origin: unknown.
Comment: This variant is considered benign. This variant is a silent/synonymous amino acid change and it is not expected to impact splicing.

NM_000222.3(KIT):c.2193T>A (p.Val731=)

Gene: KIT (KIT proto-oncogene, receptor tyrosine kinase; plus strand). Cytogenetic location: 4q12.
Variant type: single nucleotide variant.
Coding change: c.2193T>A on transcript NM_000222.3 (MANE Select); coding-DNA position 2193, T replaced by A.
Protein change: p.Val731=; no amino-acid change (valine 731 retained).
Molecular consequence: synonymous variant.
Genome position (GRCh38, 1-based): chr4:54,731,379, T>A. VCF-style: chr4-54731379-T-A. GRCh37 (hg19) VCF-style: chr4-55597545-T-A.
Other names: c.2181T>A, p.Val727= (NM_001093772.2, NM_001385292.1); c.2196T>A, p.Val732= (NM_001385284.1); c.2190T>A, p.Val730= (NM_001385285.1); c.2178T>A, p.Val726= (NM_001385286.1); c.2184T>A, p.Val728= (NM_001385288.1); c.2193T>A, p.Val731= (NM_001385290.1).
Identifiers: ClinVar variation 4876038 (VCV004876038.1).